The following is an entry in ClinVar:

NM_000329.3(RPE65):c.524A>G (p.Asn175Ser)

Gene: RPE65 (retinoid isomerohydrolase RPE65; minus strand). Cytogenetic location: 1p31.3.
Variant type: single nucleotide variant.
Coding change: c.524A>G on transcript NM_000329.3 (MANE Select); coding-DNA position 524, A replaced by G.
Protein change: p.Asn175Ser; replaces asparagine 175 with serine.
Molecular consequence: missense variant.
Genome position (GRCh38, 1-based): chr1:68,440,972, T>C on the plus strand (A>G on the coding strand, the complement: RPE65 is on the minus strand). VCF-style: chr1-68440972-T-C. GRCh37 (hg19) VCF-style: chr1-68906655-T-C.
Other names: short protein forms N175S.
Identifiers: ClinVar variation 1038653 (VCV001038653.7), dbSNP rs771863086, ClinGen allele CA902474.
Genomic context (GRCh38, chr1:68,440,972, plus strand): 5'-CAATTACCAATATTGTAAACGGTTCCATCATTTTCAATGTGGGGGTGAGCAGTGGCCCCA[T>C]TGACAGAGACATAGTTGCAAAGATCAACCTACGGAAGTAAAGTGAATGTCCTCCAGTTGA-3'
Protein context (NP_000320.1, residues 165-185): QVDLCNYVSV[Asn175Ser]GATAHPHIEN

ClinVar aggregate classification (germline): Uncertain significance. Review status: criteria provided, single submitter (1 of 4 stars). 2 submissions from 2 submitters: Uncertain significance (1). 1 of the submissions does not count toward it. Last evaluated 2022-02-04.

Conditions:
Leber congenital amaurosis 2 (LCA2). Also called: Autosomal Recessive RPE65-Related Retinal Degeneration; AMAUROSIS CONGENITA OF LEBER II. Identifiers: Orphanet 65, MedGen C1859844, MONDO:0008765, OMIM 204100. Disease mechanism: loss of function.
Retinitis pigmentosa 20 (RP20). Identifiers: Orphanet 791, MedGen C3151086, MONDO:0013425, OMIM 613794.
Leber congenital amaurosis (LCA). Also called: Leber's amaurosis. Identifiers: Orphanet 65, MedGen C0339527, MeSH D057130, MONDO:0018998.

Allele frequency attached by ClinVar (database versions not stated): ExAC 0.00001; gnomAD exomes 0.00001 and 0.00003.
gnomAD v4.1: 20 of 1,613,938 alleles (0.0012%); highest among the groups gnomAD compares: South Asian, 0.0077%; 1 homozygote.

Submissions (2):

Labcorp Genetics (formerly Invitae), Labcorp
Classification: Uncertain significance for Leber congenital amaurosis 2; Retinitis pigmentosa 20. Last evaluated: 2022-02-04. Review status: criteria provided, single submitter. Criteria: Invitae Variant Classification Sherloc (09022015). Collection method: clinical testing. Allele origin: germline.
Comment: This sequence change replaces asparagine, which is neutral and polar, with serine, which is neutral and polar, at codon 175 of the RPE65 protein (p.Asn175Ser). This variant is present in population databases (rs771863086, gnomAD 0.01%), including at least one homozygous and/or hemizygous individual. This variant has not been reported in the literature in individuals affected with RPE65-related conditions. ClinVar contains an entry for this variant (Variation ID: 1038653). Algorithms developed to predict the effect of missense changes on protein structure and function are either unavailable or do not agree on the potential impact of this missense change (SIFT: "Tolerated"; PolyPhen-2: "Probably Damaging"; Align-GVGD: "Class C0"). Algorithms developed to predict the effect of sequence changes on RNA splicing suggest that this variant may create or strengthen a splice site. In summary, the available evidence is currently insufficient to determine the role of this variant in disease. Therefore, it has been classified as a Variant of Uncertain Significance.

Natera, Inc.
Classification: Uncertain significance for Leber congenital amaurosis. Last evaluated: 2020-01-17. Review status: no assertion criteria provided. Collection method: clinical testing. Allele origin: germline. Not counted in ClinVar's aggregate classification.